The following is an entry in ClinVar:

ClinVar aggregate classification (germline): Conflicting classifications of pathogenicity. Review status: criteria provided, conflicting classifications (1 of 4 stars). 2 submissions from 2 submitters: Likely pathogenic (1); Uncertain significance (1). Last evaluated 2023-04-04.

Conditions:
Early-infantile DEE. Also called: Early infantile epileptic encephalopathy with suppression bursts; Early infantile epileptic encephalopathy; Ohtahara syndrome. Identifiers: Orphanet 1934, MedGen C0393706, MONDO:0800491.

Submissions (2):

Revvity Omics, Revvity
Classification: Likely pathogenic. Last evaluated: 2023-04-04. Review status: criteria provided, single submitter. Criteria: ACMG Guidelines, 2015. Collection method: clinical testing. Allele origin: germline.

Labcorp Genetics (formerly Invitae), Labcorp
Classification: Uncertain significance for Early-infantile DEE. Last evaluated: 2018-04-06. Review status: criteria provided, single submitter. Criteria: Invitae Variant Classification Sherloc (09022015). Collection method: clinical testing. Allele origin: germline.
Comment: This variant identified in the SCN1A gene is located in the transmembrane spanning D3-S2 region of the resulting protein (PMID: 25348405, 18804930), but it is unclear how this variant impacts the function of this protein. In summary, the available evidence is currently insufficient to determine the role of this variant in disease. Therefore, it has been classified as a Variant of Uncertain Significance. Algorithms developed to predict the effect of missense changes on protein structure and function do not agree on the potential impact of this missense change (SIFT: "Deleterious"; PolyPhen-2: "Probably Damaging"; Align-GVGD: "Class C15"). This variant has not been reported in the literature in individuals with SCN1A-related disease. However, a different variant (c.3789C>G) giving rise to the same protein effect observed here (p.Phe1263Leu) has been reported in an individual affected with severe myoclonic epilepsy in infancy (PMID: 12566275). This variant is not present in population databases (ExAC no frequency). This sequence change replaces phenylalanine with leucine at codon 1263 of the SCN1A protein (p.Phe1263Leu). The phenylalanine residue is highly conserved and there is a small physicochemical difference between phenylalanine and leucine.

Literature cited by the submitters: PubMed 25348405 (cited by Labcorp Genetics (formerly Invitae), Labcorp); PubMed 18804930 (cited by Labcorp Genetics (formerly Invitae), Labcorp); PubMed 12566275 (cited by Labcorp Genetics (formerly Invitae), Labcorp).

NM_001165963.4(SCN1A):c.3787T>C (p.Phe1263Leu)

Genes: SCN1A (sodium voltage-gated channel alpha subunit 1; minus strand), LOC102724058 (uncharacterized LOC102724058; plus strand). Cytogenetic location: 2q24.3.
Variant type: single nucleotide variant.
Coding change: c.3787T>C on transcript NM_001165963.4 (MANE Select); coding-DNA position 3787, T replaced by C.
Protein change: p.Phe1263Leu; replaces phenylalanine 1263 with leucine.
Molecular consequence: missense variant. On other transcripts: non-coding transcript variant (1).
Genome position (GRCh38, 1-based): chr2:166,012,201, A>G on the plus strand (T>C on the coding strand, the complement: SCN1A is on the minus strand). VCF-style: chr2-166012201-A-G. GRCh37 (hg19) VCF-style: chr2-166868711-A-G.
Other names: c.3754T>C, p.Phe1252Leu (NM_001353951.2, NM_001353952.2, NM_006920.6 and 2 more transcripts); c.3751T>C, p.Phe1251Leu (NM_001353954.2, NM_001353955.2); c.3703T>C, p.Phe1235Leu (NM_001353957.2, NM_001353958.2, NM_001165964.3); c.3700T>C, p.Phe1234Leu (NM_001353960.2); c.1345T>C, p.Phe449Leu (NM_001353961.2); c.3787T>C (NM_001165963.3); c.3787T>C, p.Phe1263Leu (NM_001202435.3, NM_001353948.2); short protein forms F1252L, F1263L, F1235L, F449L, F1234L, F1251L.
Identifiers: ClinVar variation 577345 (VCV000577345.12), dbSNP rs1559144956, ClinGen allele CA349054355.